The following is an entry in ClinVar:

NM_032043.3(BRIP1):c.281A>C (p.Asp94Ala)

Gene: BRIP1 (BRCA1 interacting DNA helicase 1; minus strand). Cytogenetic location: 17q23.2.
Variant type: single nucleotide variant.
Coding change: c.281A>C on transcript NM_032043.3 (MANE Select); coding-DNA position 281, A replaced by C.
Protein change: p.Asp94Ala; replaces aspartic acid 94 with alanine.
Molecular consequence: missense variant.
Genome position (GRCh38, 1-based): chr17:61,857,156, T>G on the plus strand (A>C on the coding strand, the complement: BRIP1 is on the minus strand). VCF-style: chr17-61857156-T-G. GRCh37 (hg19) VCF-style: chr17-59934517-T-G.
Other names: short protein forms D94A.
Identifiers: ClinVar variation 3752741 (VCV003752741.3).

ClinVar aggregate classification (germline): Uncertain significance. Review status: criteria provided, multiple submitters, no conflicts (2 of 4 stars). 2 submissions from 2 submitters: Uncertain significance (2). Last evaluated 2025-03-31.

Conditions:
Fanconi anemia complementation group J. Also called: BRIP1-Related Fanconi Anemia. Identifiers: Orphanet 84, MedGen C1836860, MONDO:0012187, OMIM 609054.
Familial cancer of breast. Also called: BREAST CANCER, FAMILIAL; Hereditary breast cancer; hereditary breast carcinoma. Identifiers: Orphanet 227535, MedGen C0346153, MONDO:0016419, OMIM 114480. Disease mechanism: loss of function.
Hereditary cancer-predisposing syndrome. Also called: Neoplastic Syndromes, Hereditary; Tumor predisposition; Hereditary Cancer Syndrome; Hereditary neoplastic syndrome. Identifiers: Orphanet 140162, MedGen C0027672, MeSH D009386, MONDO:0015356.

Submissions (2):

Color Diagnostics, LLC DBA Color Health
Classification: Uncertain significance for Hereditary cancer-predisposing syndrome. Last evaluated: 2025-03-31. Review status: criteria provided, single submitter. Criteria: ACMG Guidelines, 2015. Collection method: clinical testing. Allele origin: germline.
Comment: This missense variant replaces aspartic acid with alanine at codon 94 of the BRIP1 protein. Computational prediction suggests that this variant may not impact protein structure and function (internally defined REVEL score threshold <= 0.5, PMID: 27666373). To our knowledge, functional studies have not been reported for this variant. This variant has not been reported in individuals affected with BRIP1-related disorders in the literature. This variant has not been identified in the general population by the Genome Aggregation Database (gnomAD). The available evidence is insufficient to determine the role of this variant in disease conclusively. Therefore, this variant is classified as a Variant of Uncertain Significance.

Labcorp Genetics (formerly Invitae), Labcorp
Classification: Uncertain significance for Familial cancer of breast; Fanconi anemia complementation group J. Last evaluated: 2024-03-14. Review status: criteria provided, single submitter. Criteria: Invitae Variant Classification Sherloc (09022015). Collection method: clinical testing. Allele origin: germline.
Comment: This sequence change replaces aspartic acid, which is acidic and polar, with alanine, which is neutral and non-polar, at codon 94 of the BRIP1 protein (p.Asp94Ala). This variant is not present in population databases (gnomAD no frequency). This variant has not been reported in the literature in individuals affected with BRIP1-related conditions. Advanced modeling of protein sequence and biophysical properties (such as structural, functional, and spatial information, amino acid conservation, physicochemical variation, residue mobility, and thermodynamic stability) performed at Invitae indicates that this missense variant is not expected to disrupt BRIP1 protein function with a negative predictive value of 80%. In summary, the available evidence is currently insufficient to determine the role of this variant in disease. Therefore, it has been classified as a Variant of Uncertain Significance.